The following is an entry in ClinVar:

NM_001040716.2(PC):c.2580C>T (p.Asp860=)

Gene: PC (pyruvate carboxylase; minus strand). Cytogenetic location: 11q13.2.
Variant type: single nucleotide variant.
Coding change: c.2580C>T on transcript NM_001040716.2 (MANE Select); coding-DNA position 2580, C replaced by T.
Protein change: p.Asp860=; no amino-acid change (aspartic acid 860 retained).
Molecular consequence: synonymous variant.
Genome position (GRCh38, 1-based): chr11:66,850,358, G>A on the plus strand (C>T on the coding strand, the complement: PC is on the minus strand). VCF-style: chr11-66850358-G-A. GRCh37 (hg19) VCF-style: chr11-66617829-G-A.
Other names: p.D860D:GAC>GAT; c.2580C>T, p.Asp860= (NM_000920.4, NM_022172.3).
Identifiers: ClinVar variation 138581 (VCV000138581.20), dbSNP rs45584036, ClinGen allele CA292678.

ClinVar aggregate classification (germline): Benign. Review status: criteria provided, multiple submitters, no conflicts (2 of 4 stars). 5 submissions from 5 submitters: Benign (4). 1 of the submissions does not count toward it. Last evaluated 2026-02-03.

Conditions:
Pyruvate carboxylase deficiency. Also called: Pyruvate Carboxylase Deficiency Disease; ATAXIA WITH LACTIC ACIDOSIS II; LEIGH NECROTIZING ENCEPHALOPATHY DUE TO PYRUVATE CARBOXYLASE DEFICIENCY; LEIGH SYNDROME DUE TO PYRUVATE CARBOXYLASE DEFICIENCY; PC DEFICIENCY. Identifiers: Orphanet 3008, MedGen C0034341, MONDO:0009949, OMIM 266150.

Allele frequency attached by ClinVar (database versions not stated): gnomAD exomes 0.00120 and 0.00319; ExAC 0.00393; 1000 Genomes Project 30x 0.00937; 1000 Genomes Project 0.00938; gnomAD 0.01214 and 0.01323; TOPMed 0.01469; ESP Exome Variant Server 0.01578.
gnomAD v4.1: 3,662 of 1,614,054 alleles (0.23%); highest among the groups gnomAD compares: African/African-American, 4.3%; 77 homozygotes.

Submissions (5):

Labcorp Genetics (formerly Invitae), Labcorp
Classification: Benign for Pyruvate carboxylase deficiency. Last evaluated: 2026-02-03. Review status: criteria provided, single submitter. Criteria: Invitae Variant Classification Sherloc (09022015). Collection method: clinical testing. Allele origin: germline.

Illumina Laboratory Services, Illumina
Classification: Benign for Pyruvate carboxylase deficiency. Last evaluated: 2018-01-12. Review status: criteria provided, single submitter. Criteria: ICSL Variant Classification Criteria 13 December 2019. Collection method: clinical testing. Allele origin: germline.
Comment: This variant was observed in the ICSL laboratory as part of a predisposition screen in an ostensibly healthy population. It had not been previously curated by ICSL or reported in the Human Gene Mutation Database (HGMD: prior to June 1st, 2018), and was therefore a candidate for classification through an automated scoring system. Utilizing variant allele frequency, disease prevalence and penetrance estimates, and inheritance mode, an automated score was calculated to assess if this variant is too frequent to cause the disease. Based on the score and internal cut-off values, a variant classified as benign is not then subjected to further curation. The score for this variant resulted in a classification of benign for this disease.

GeneDx
Classification: Benign. Last evaluated: 2014-01-04. Review status: criteria provided, single submitter. Criteria: GeneDx Variant Classification (06012015). Collection method: clinical testing. Allele origin: germline. Affected: yes.
Comment: This variant is considered likely benign or benign based on one or more of the following criteria: it is a conservative change, it occurs at a poorly conserved position in the protein, it is predicted to be benign by multiple in silico algorithms, and/or has population frequency not consistent with disease.

Breakthrough Genomics
Classification: Benign. Review status: criteria provided, single submitter. Criteria: ACMG Guidelines, 2015. Collection method: not provided. Allele origin: germline. Inheritance: Autosomal recessive inheritance. Affected: yes.

Mayo Clinic Laboratories, Mayo Clinic
Classification: Benign. Last evaluated: 2017-08-04. Review status: no assertion criteria provided. Collection method: clinical testing. Allele origin: unknown. Not counted in ClinVar's aggregate classification.